The following is an entry in ClinVar:

NM_000089.4(COL1A2):c.2140C>T (p.Arg714Cys)

Gene: COL1A2 (collagen type I alpha 2 chain; plus strand). Cytogenetic location: 7q21.3.
Variant type: single nucleotide variant.
Coding change: c.2140C>T on transcript NM_000089.4 (MANE Select); coding-DNA position 2140, C replaced by T.
Protein change: p.Arg714Cys; replaces arginine 714 with cysteine.
Molecular consequence: missense variant.
Genome position (GRCh38, 1-based): chr7:94,420,397, C>T. VCF-style: chr7-94420397-C-T. GRCh37 (hg19) VCF-style: chr7-94049709-C-T.
Other names: short protein forms R714C.
Identifiers: ClinVar variation 377716 (VCV000377716.10), dbSNP rs770271259, ClinGen allele CA16605412.

ClinVar aggregate classification (germline): Uncertain significance. Review status: criteria provided, multiple submitters, no conflicts (2 of 4 stars). 5 submissions from 5 submitters: Uncertain significance (4). 1 of the submissions does not count toward it. Last evaluated 2026-03-06.

Conditions:
Osteogenesis imperfecta type I (OI1). Also called: Lobstein's Disease; Classic Non-deforming Osteogenesis Imperfecta with Blue Sclerae; Lobstein disease; OI, TYPE I; OSTEOGENESIS IMPERFECTA TARDA; OSTEOGENESIS IMPERFECTA WITH BLUE SCLERAE. Identifiers: Orphanet 216796, Orphanet 666, MedGen C0023931, MONDO:0008146, OMIM 166200. Disease mechanism: loss of function.
Ehlers-Danlos syndrome, classic type, 1 (EDSCL1). Also called: EHLERS-DANLOS SYNDROME, GRAVIS TYPE; EHLERS-DANLOS SYNDROME, SEVERE CLASSIC TYPE; Ehlers-Danlos syndrome, type 1; Ehlers-Danlos Syndrome, Classic Type, COL5A1-Related; EDS I. Identifiers: MedGen C0268335, MONDO:0019567, OMIM 130000.
Ehlers-Danlos syndrome, cardiac valvular type. Identifiers: Orphanet 230851, MedGen C4303789, MONDO:0009159, OMIM 225320.
Cardiovascular phenotype. Identifiers: MedGen CN230736.

Allele frequency attached by ClinVar (database versions not stated): gnomAD 0.00001; TOPMed 0.00002.
gnomAD v4.1: 11 of 1,614,126 alleles (0.00068%); highest among the groups gnomAD compares: South Asian, 0.0088%; no homozygotes.

Submissions (5):

Ambry Genetics
Classification: Uncertain significance for Cardiovascular phenotype. Last evaluated: 2026-03-06. Review status: criteria provided, single submitter. Criteria: Ambry Variant Classification Scheme 2023. Collection method: clinical testing. Allele origin: germline.

Labcorp Genetics (formerly Invitae), Labcorp
Classification: Uncertain significance for Osteogenesis imperfecta type I; Ehlers-Danlos syndrome, classic type, 1. Last evaluated: 2025-06-27. Review status: criteria provided, single submitter. Criteria: Invitae Variant Classification Sherloc (09022015). Collection method: clinical testing. Allele origin: germline.
Comment: This sequence change replaces arginine, which is basic and polar, with cysteine, which is neutral and slightly polar, at codon 714 of the COL1A2 protein (p.Arg714Cys). This variant is not present in population databases (gnomAD no frequency). This variant has not been reported in the literature in individuals affected with COL1A2-related conditions. ClinVar contains an entry for this variant (Variation ID: 377716). Invitae Evidence Modeling of protein sequence and biophysical properties (such as structural, functional, and spatial information, amino acid conservation, physicochemical variation, residue mobility, and thermodynamic stability) indicates that this missense variant is expected to disrupt COL1A2 protein function with a positive predictive value of 95%. In summary, the available evidence is currently insufficient to determine the role of this variant in disease. Therefore, it has been classified as a Variant of Uncertain Significance.

GeneDx
Classification: Uncertain significance. Last evaluated: 2025-05-20. Review status: criteria provided, single submitter. Criteria: GeneDx Variant Classification Process June 2021. Collection method: clinical testing. Allele origin: germline. Affected: yes.
Comment: Not observed at significant frequency in large population cohorts (gnomAD); In silico analysis supports that this missense variant has a deleterious effect on protein structure/function; Occurs in the triple helical domain at the Y position in the canonical Gly-X-Y repeat; although this variant may have an effect on normal protein folding and function, missense substitution at the Y position is not a common mechanism of disease (HGMD); Has not been previously published as pathogenic or benign to our knowledge

Blueprint Genetics
Classification: Uncertain significance. Last evaluated: 2022-11-14. Review status: criteria provided, single submitter. Criteria: ACMG Guidelines, 2015. Collection method: clinical testing. Allele origin: germline.

Zotz-Klimas Genetics Lab, MVZ Zotz Klimas
Classification: Uncertain significance for Ehlers-Danlos syndrome, cardiac valvular type. Last evaluated: 2023-10-30. Review status: no assertion criteria provided. Collection method: clinical testing. Allele origin: germline. Affected: yes. Not counted in ClinVar's aggregate classification.